The following is an entry in ClinVar:

NM_133510.4(RAD51B):c.17T>C (p.Leu6Pro)

Gene: RAD51B (RAD51 paralog B; plus strand). Cytogenetic location: 14q24.1.
Variant type: single nucleotide variant.
Coding change: c.17T>C on transcript NM_133510.4 (MANE Select); coding-DNA position 17, T replaced by C.
Protein change: p.Leu6Pro; replaces leucine 6 with proline.
Molecular consequence: missense variant. On other transcripts: 5 prime UTR variant (1).
Genome position (GRCh38, 1-based): chr14:67,823,560, T>C. VCF-style: chr14-67823560-T-C. GRCh37 (hg19) VCF-style: chr14-68290277-T-C.
Other names: c.17T>C, p.Leu6Pro (NM_001321809.2, NM_001321810.2, NM_001321812.1 and 6 more transcripts); c.-439T>C (NM_001321817.2); short protein forms L6P.
Identifiers: ClinVar variation 4862870 (VCV004862870.1).

ClinVar aggregate classification (germline): Uncertain significance (1 of 4 stars; one submission).

gnomAD v4.1: 1 of 1,613,874 alleles (0.000062%); highest among the groups gnomAD compares: Non-Finnish European, 0.000085%; no homozygotes.

Submission:

Ambry Genetics
Classification: Uncertain significance. Last evaluated: 2026-03-24. Review status: criteria provided, single submitter. Criteria: Ambry Variant Classification Scheme 2023. Collection method: clinical testing. Allele origin: germline.
Comment: The p.L6P variant (also known as c.17T>C), located in coding exon 1 of the RAD51B gene, results from a T to C substitution at nucleotide position 17. The leucine at codon 6 is replaced by proline, an amino acid with similar properties. This amino acid position is highly conserved in available vertebrate species. In addition, the in silico prediction for this alteration is inconclusive. Based on the available evidence, the clinical significance of this variant remains unclear.